The following is an entry in ClinVar:

NM_004380.3(CREBBP):c.4392A>G (p.Leu1464=)

Gene: CREBBP (CREB binding lysine acetyltransferase; minus strand). Cytogenetic location: 16p13.3.
Variant type: single nucleotide variant.
Coding change: c.4392A>G on transcript NM_004380.3 (MANE Select); coding-DNA position 4392, A replaced by G.
Protein change: p.Leu1464=; no amino-acid change (leucine 1464 retained).
Molecular consequence: synonymous variant.
Genome position (GRCh38, 1-based): chr16:3,738,561, T>C on the plus strand (A>G on the coding strand, the complement: CREBBP is on the minus strand). VCF-style: chr16-3738561-T-C. GRCh37 (hg19) VCF-style: chr16-3788562-T-C.
Other names: c.4278A>G, p.Leu1426= (NM_001079846.1); c.4392A>G (NM_004380.2).
Identifiers: ClinVar variation 2718537 (VCV002718537.5), dbSNP rs61731411, ClinGen allele CA7869547.

ClinVar aggregate classification (germline): Likely benign. Review status: criteria provided, single submitter (1 of 4 stars). 2 submissions from 2 submitters: Likely benign (1). 1 of the submissions does not count toward it. Last evaluated 2024-10-12.

Conditions:
CREBBP-related disorder. Also called: CREBBP-related disorders; CREBBP-related condition.
Rubinstein-Taybi syndrome (RSTS). Identifiers: Orphanet 783, MedGen C0035934, MONDO:0019188.

Allele frequency attached by ClinVar (database versions not stated): gnomAD exomes 0.00001; ExAC 0.00004; TOPMed 0.00011; gnomAD 0.00013; 1000 Genomes Project 30x 0.00016; ESP Exome Variant Server 0.00023.
gnomAD v4.1: 36 of 1,590,524 alleles (0.0023%); highest among the groups gnomAD compares: African/African-American, 0.044%; no homozygotes.

Submissions (2):

Labcorp Genetics (formerly Invitae), Labcorp
Classification: Likely benign for Rubinstein-Taybi syndrome. Last evaluated: 2024-10-12. Review status: criteria provided, single submitter. Criteria: Invitae Variant Classification Sherloc (09022015). Collection method: clinical testing. Allele origin: germline.

PreventionGenetics, part of Exact Sciences
Classification: Likely benign for CREBBP-related condition. Last evaluated: 2022-04-14. Review status: no assertion criteria provided. Collection method: clinical testing. Allele origin: germline. Not counted in ClinVar's aggregate classification.
Comment: This variant is classified as likely benign based on ACMG/AMP sequence variant interpretation guidelines (Richards et al. 2015 PMID: 25741868, with internal and published modifications).